The following is an entry in ClinVar:

ClinVar aggregate classification (germline): Uncertain significance. Review status: criteria provided, multiple submitters, no conflicts (2 of 4 stars). 3 submissions from 3 submitters: Uncertain significance (3). Last evaluated 2026-06-11.

Conditions:
Inborn genetic diseases. Identifiers: MedGen C0950123, MeSH D030342.
Episodic ataxia type 2 (EA2). Also called: ATAXIA, EPISODIC, WITH NYSTAGMUS; ATAXIA, FAMILIAL PAROXYSMAL; CEREBELLAR ATAXIA, PAROXYSMAL, ACETAZOLAMIDE-RESPONSIVE; CEREBELLOPATHY, HEREDITARY PAROXYSMAL; EPISODIC ATAXIA, NYSTAGMUS-ASSOCIATED; ACETAZOLAMIDE-RESPONSIVE HEREDITARY PAROXYSMAL CEREBELLAR ATAXIA. Identifiers: Orphanet 97, MedGen C1720416, MONDO:0007163, OMIM 108500.
Developmental and epileptic encephalopathy, 42 (DEE42A). Also called: DEVELOPMENTAL AND EPILEPTIC ENCEPHALOPATHY 42A; EPILEPTIC ENCEPHALOPATHY, EARLY INFANTILE, 42A; Epileptic encephalopathy, early infantile, 42. Identifiers: MedGen C4310716, MONDO:0014917, OMIM 617106.

Allele frequency attached by ClinVar (database versions not stated): TOPMed below 0.00001; gnomAD 0.00001.
gnomAD v4.1: 3 of 1,612,756 alleles (0.00019%); highest among the groups gnomAD compares: Non-Finnish European, 0.00025%; no homozygotes.

Submissions (3):

Women's Health and Genetics/Laboratory Corporation of America, LabCorp
Classification: Uncertain significance. Last evaluated: 2026-06-11. Review status: criteria provided, single submitter. Criteria: LabCorp Variant Classification Summary - May 2015. Collection method: clinical testing. Allele origin: germline.
Comment: Variant summary: CACNA1A c.1231G>A (p.Gly411Arg) results in a non-conservative amino acid change in the encoded protein sequence. Algorithms developed to predict the effect of missense changes on protein structure and function are either unavailable or do not agree on the potential impact of this missense change. The variant was absent in 248180 control chromosomes. The available data on variant occurrences in the general population are insufficient to allow any conclusion about variant significance. To our knowledge, no occurrence of c.1231G>A in individuals affected with CACNA1A-related conditions and no experimental evidence demonstrating its impact on protein function have been reported. ClinVar contains an entry for this variant (Variation ID: 1352892). Based on the evidence outlined above, the variant was classified as uncertain significance.

Labcorp Genetics (formerly Invitae), Labcorp
Classification: Uncertain significance for Developmental and epileptic encephalopathy, 42; Episodic ataxia type 2. Last evaluated: 2024-04-25. Review status: criteria provided, single submitter. Criteria: Invitae Variant Classification Sherloc (09022015). Collection method: clinical testing. Allele origin: germline.
Comment: This sequence change replaces glycine, which is neutral and non-polar, with arginine, which is basic and polar, at codon 411 of the CACNA1A protein (p.Gly411Arg). This variant is not present in population databases (gnomAD no frequency). This variant has not been reported in the literature in individuals affected with CACNA1A-related conditions. ClinVar contains an entry for this variant (Variation ID: 1352892). Advanced modeling of protein sequence and biophysical properties (such as structural, functional, and spatial information, amino acid conservation, physicochemical variation, residue mobility, and thermodynamic stability) performed at Invitae indicates that this missense variant is not expected to disrupt CACNA1A protein function with a negative predictive value of 95%. In summary, the available evidence is currently insufficient to determine the role of this variant in disease. Therefore, it has been classified as a Variant of Uncertain Significance.

Ambry Genetics
Classification: Uncertain significance for Inborn genetic diseases. Last evaluated: 2024-02-12. Review status: criteria provided, single submitter. Criteria: Ambry Variant Classification Scheme 2023. Collection method: clinical testing. Allele origin: germline.

NM_001127222.2(CACNA1A):c.1231G>A (p.Gly411Arg)

Gene: CACNA1A (calcium voltage-gated channel subunit alpha1 A; minus strand). Cytogenetic location: 19p13.13.
Variant type: single nucleotide variant.
Coding change: c.1231G>A on transcript NM_001127222.2 (MANE Select); coding-DNA position 1231, G replaced by A.
Protein change: p.Gly411Arg; replaces glycine 411 with arginine.
Molecular consequence: missense variant.
Genome position (GRCh38, 1-based): chr19:13,332,893, C>T on the plus strand (G>A on the coding strand, the complement: CACNA1A is on the minus strand). VCF-style: chr19-13332893-C-T. GRCh37 (hg19) VCF-style: chr19-13443707-C-T.
Other names: c.1231G>A, p.Gly411Arg (NM_000068.4, NM_001127221.2, NM_001174080.2 and 1 more transcripts); c.1231G>A (NM_001127221.1); short protein forms G411R.
Identifiers: ClinVar variation 1352892 (VCV001352892.10), dbSNP rs1448345243, ClinGen allele CA404346303.